The following is an entry in ClinVar:

NM_000051.4(ATM):c.9117C>A (p.Ala3039=)

Genes: C11orf65 (chromosome 11 open reading frame 65; minus strand), ATM (ATM serine/threonine kinase; plus strand). Cytogenetic location: 11q22.3.
Variant type: single nucleotide variant.
Coding change: c.9117C>A on transcript NM_000051.4 (MANE Select); coding-DNA position 9117, C replaced by A.
Protein change: p.Ala3039=; no amino-acid change (alanine 3039 retained).
Molecular consequence: synonymous variant. On other transcripts: intron variant (2).
Genome position (GRCh38, 1-based): chr11:108,365,454, C>A. VCF-style: chr11-108365454-C-A. GRCh37 (hg19) VCF-style: chr11-108236181-C-A.
Other names: c.9117C>A, p.Ala3039= (NM_001351834.2); c.640+20466G>T (NM_001330368.2); c.694+20466G>T (NM_001351110.2).
Identifiers: ClinVar variation 919260 (VCV000919260.6), dbSNP rs1289926943, ClinGen allele CA476745264.

ClinVar aggregate classification (germline): Benign/Likely benign. Review status: criteria provided, multiple submitters, no conflicts (2 of 4 stars). 3 submissions from 3 submitters: Benign (1); Likely benign (2). Last evaluated 2025-03-15.

Conditions:
Hereditary cancer-predisposing syndrome. Also called: Tumor predisposition; Neoplastic Syndromes, Hereditary; Hereditary neoplastic syndrome; Hereditary Cancer Syndrome. Identifiers: Orphanet 140162, MedGen C0027672, MeSH D009386, MONDO:0015356.
Familial cancer of breast. Also called: Hereditary breast cancer; hereditary breast carcinoma; BREAST CANCER, FAMILIAL. Identifiers: Orphanet 227535, MedGen C0346153, MONDO:0016419, OMIM 114480. Disease mechanism: loss of function.

Submissions (3):

Ambry Genetics
Classification: Likely benign for Hereditary cancer-predisposing syndrome. Last evaluated: 2025-03-15. Review status: criteria provided, single submitter. Criteria: Ambry Variant Classification Scheme 2023. Collection method: clinical testing. Allele origin: germline.

Myriad Genetics, Inc.
Classification: Benign for Familial cancer of breast. Last evaluated: 2024-06-24. Review status: criteria provided, single submitter. Criteria: Myriad Autosomal Dominant, Autosomal Recessive and X-Linked Classification Criteria (2023). Collection method: clinical testing. Allele origin: unknown.
Comment: This variant is considered benign. This variant is a silent/synonymous amino acid change and it is not expected to impact splicing.

Color Diagnostics, LLC DBA Color Health
Classification: Likely benign for Hereditary cancer-predisposing syndrome. Last evaluated: 2020-03-02. Review status: criteria provided, single submitter. Criteria: ACMG Guidelines, 2015. Collection method: clinical testing. Allele origin: germline.